The following is an entry in ClinVar:

ClinVar aggregate classification (germline): Benign/Likely benign. Review status: criteria provided, multiple submitters, no conflicts (2 of 4 stars). 5 submissions from 5 submitters: Benign (1); Likely benign (3). 1 of the submissions does not count toward it. Last evaluated 2026-02-01.

Conditions:
KMT2C-related NDD.
KMT2C-related disorder. Also called: KMT2C-related disorders; KMT2C-related condition.

Allele frequency attached by ClinVar (database versions not stated): ExAC 0.00023; 1000 Genomes Project 30x 0.00031; 1000 Genomes Project 0.00040.
gnomAD v4.1: 125 of 1,537,666 alleles (0.0081%); highest among the groups gnomAD compares: East Asian, 0.16%; 2 homozygotes.

Submissions (5):

CeGaT Center for Human Genetics Tuebingen
Classification: Likely benign. Last evaluated: 2026-02-01. Review status: criteria provided, single submitter. Criteria: CeGaT Center For Human Genetics Tuebingen Variant Classification Criteria Version 2. Collection method: clinical testing. Allele origin: germline. Affected: yes. Observed: 1 variant allele.
Comment: KMT2C: BS1

Labcorp Genetics (formerly Invitae), Labcorp
Classification: Likely benign. Last evaluated: 2025-09-13. Review status: criteria provided, single submitter. Criteria: Invitae Variant Classification Sherloc (09022015). Collection method: clinical testing. Allele origin: germline.

Blueprint Genetics
Classification: Likely benign. Last evaluated: 2024-05-03. Review status: criteria provided, single submitter. Criteria: ACMG Guidelines, 2015. Collection method: clinical testing. Allele origin: germline.

Laboratory of Genetics, Children's Clinical University Hospital Latvia
Classification: Benign for KMT2C-related NDD. Review status: criteria provided, single submitter. Criteria: ACMG Guidelines, 2015. Collection method: research. Allele origin: paternal. Affected: yes.

PreventionGenetics, part of Exact Sciences
Classification: Likely benign for KMT2C-related condition. Last evaluated: 2019-09-25. Review status: no assertion criteria provided. Collection method: clinical testing. Allele origin: germline. Not counted in ClinVar's aggregate classification.
Comment: This variant is classified as likely benign based on ACMG/AMP sequence variant interpretation guidelines (Richards et al. 2015 PMID: 25741868, with internal and published modifications).

Literature cited by the submitters: PubMed 39013459 (cited by Laboratory of Genetics, Children's Clinical University Hospital Latvia).

NM_170606.3(KMT2C):c.12898T>C (p.Ser4300Pro)

Gene: KMT2C (lysine methyltransferase 2C; minus strand). Cytogenetic location: 7q36.1.
Variant type: single nucleotide variant.
Coding change: c.12898T>C on transcript NM_170606.3 (MANE Select); coding-DNA position 12898, T replaced by C.
Protein change: p.Ser4300Pro; replaces serine 4300 with proline.
Molecular consequence: missense variant.
Genome position (GRCh38, 1-based): chr7:152,149,029, A>G on the plus strand (T>C on the coding strand, the complement: KMT2C is on the minus strand). VCF-style: chr7-152149029-A-G. GRCh37 (hg19) VCF-style: chr7-151846114-A-G.
Other names: c.12898T>C (NM_170606.2); short protein forms S4300P.
Identifiers: ClinVar variation 1130796 (VCV001130796.16), dbSNP rs199880787, ClinGen allele CA4578700.